The following is an entry in ClinVar:

ClinVar aggregate classification (germline): Uncertain significance (0 of 4 stars; one submission).

Allele frequency attached by ClinVar (database versions not stated): 1000 Genomes Project 30x 0.00016; ESP Exome Variant Server 0.00031; TOPMed 0.00016; gnomAD 0.00016.
gnomAD v4.1: 682 of 1,614,042 alleles (0.042%); highest among the groups gnomAD compares: Non-Finnish European, 0.054%; no homozygotes.

Submission:

Martin Pollak Laboratory,  Beth Israel Deaconess Medical Center
Classification: Uncertain significance. Review status: no assertion criteria provided. Collection method: not provided. Allele origin: unknown.
Comment: Lower UCa2+ group
ClinVar note: Converted during submission from unknown to Uncertain significance.

NM_019841.7(TRPV5):c.33C>T (p.Pro11=)

Gene: TRPV5 (transient receptor potential cation channel subfamily V member 5; minus strand). Cytogenetic location: 7q34.
Variant type: single nucleotide variant.
Coding change: c.33C>T on transcript NM_019841.7 (MANE Select); coding-DNA position 33, C replaced by T.
Protein change: p.Pro11=; no amino-acid change (proline 11 retained).
Molecular consequence: synonymous variant.
Genome position (GRCh38, 1-based): chr7:142,933,427, G>A on the plus strand (C>T on the coding strand, the complement: TRPV5 is on the minus strand). VCF-style: chr7-142933427-G-A. GRCh37 (hg19) VCF-style: chr7-142630524-G-A.
Identifiers: ClinVar variation 64571 (VCV000064571.2), dbSNP rs377258108, ClinGen allele CA216425.